The following is an entry in ClinVar:

NM_020458.4(TTC7A):c.2407_2408delinsTA (p.Arg803Tyr)

Gene: TTC7A (tetratricopeptide repeat domain 7A; plus strand). Cytogenetic location: 2p21.
Variant type: Indel.
Coding change: c.2407_2408delinsTA on transcript NM_020458.4 (MANE Select); coding-DNA positions 2407 to 2408, CG replaced by TA.
Protein change: p.Arg803Tyr; replaces arginine 803 with tyrosine.
Molecular consequence: missense variant.
Genome position (GRCh38, 1-based): chr2:47,073,753-47,073,754, CG replaced by TA. VCF-style: chr2-47073753-CG-TA. GRCh37 (hg19) VCF-style: chr2-47300892-CG-TA.
Other names: c.2479_2480delinsTA, p.Arg827Tyr (NM_001288951.2); c.2305_2306delinsTA, p.Arg769Tyr (NM_001288953.2); c.1345_1346delinsTA, p.Arg449Tyr (NM_001288955.2); short protein forms R803Y, R449Y, R769Y, R827Y.
Identifiers: ClinVar variation 1521727 (VCV001521727.6), dbSNP rs2103674873, ClinGen allele CA2573134837.

ClinVar aggregate classification (germline): Uncertain significance (1 of 4 stars; one submission).

Conditions:
Multiple gastrointestinal atresias. Also called: FAMILIAL INTESTINAL POLYATRESIA SYNDROME; Multiple intestinal atresia. Identifiers: Orphanet 2300, MedGen C0220744, MONDO:0009465.

Submission:

Labcorp Genetics (formerly Invitae), Labcorp
Classification: Uncertain significance for Multiple gastrointestinal atresias. Last evaluated: 2021-09-21. Review status: criteria provided, single submitter. Criteria: Invitae Variant Classification Sherloc (09022015). Collection method: clinical testing. Allele origin: germline.
Comment: This variant has not been reported in the literature in individuals affected with TTC7A-related conditions. The frequency data for this variant in the population databases is not available, as this variant may be reported as separate entries in the ExAC database. This sequence change replaces arginine with tyrosine at codon 803 of the TTC7A protein (p.Arg803Tyr). The arginine residue is moderately conserved and there is a moderate physicochemical difference between arginine and tyrosine. In summary, the available evidence is currently insufficient to determine the role of this variant in disease. Therefore, it has been classified as a Variant of Uncertain Significance. Algorithms developed to predict the effect of missense changes on protein structure and function are either unavailable or do not agree on the potential impact of this missense change (SIFT: "Not Available"; PolyPhen-2: "Probably Damaging"; Align-GVGD: "Not Available").